The following is an entry in ClinVar:

NM_024675.4(PALB2):c.1944T>C (p.Leu648=)

Gene: PALB2 (partner and localizer of BRCA2; minus strand). Cytogenetic location: 16p12.2.
Variant type: single nucleotide variant.
Coding change: c.1944T>C on transcript NM_024675.4 (MANE Select); coding-DNA position 1944, T replaced by C.
Protein change: p.Leu648=; no amino-acid change (leucine 648 retained).
Molecular consequence: synonymous variant.
Genome position (GRCh38, 1-based): chr16:23,630,210, A>G on the plus strand (T>C on the coding strand, the complement: PALB2 is on the minus strand). VCF-style: chr16-23630210-A-G. GRCh37 (hg19) VCF-style: chr16-23641531-A-G.
Identifiers: ClinVar variation 233163 (VCV000233163.20), dbSNP rs200296117, ClinGen allele CA10579990.

ClinVar aggregate classification (germline): Benign/Likely benign. Review status: criteria provided, multiple submitters, no conflicts (2 of 4 stars). 4 submissions from 4 submitters: Benign (1); Likely benign (3). Last evaluated 2026-01-02.

Conditions:
Hereditary cancer-predisposing syndrome. Also called: Neoplastic Syndromes, Hereditary; Tumor predisposition; Hereditary Cancer Syndrome; Hereditary neoplastic syndrome. Identifiers: Orphanet 140162, MedGen C0027672, MeSH D009386, MONDO:0015356.
Familial cancer of breast. Also called: BREAST CANCER, FAMILIAL; hereditary breast carcinoma; Hereditary breast cancer. Identifiers: Orphanet 227535, MedGen C0346153, MONDO:0016419, OMIM 114480. Disease mechanism: loss of function.

Allele frequency attached by ClinVar (database versions not stated): gnomAD exomes below 0.00001; TOPMed 0.00001.
gnomAD v4.1: 6 of 1,614,046 alleles (0.00037%); highest among the groups gnomAD compares: East Asian, 0.0067%; no homozygotes.

Submissions (4):

Labcorp Genetics (formerly Invitae), Labcorp
Classification: Likely benign for Familial cancer of breast. Last evaluated: 2026-01-02. Review status: criteria provided, single submitter. Criteria: Invitae Variant Classification Sherloc (09022015). Collection method: clinical testing. Allele origin: germline.

Myriad Genetics, Inc.
Classification: Benign for Familial cancer of breast. Last evaluated: 2025-01-15. Review status: criteria provided, single submitter. Criteria: Myriad Autosomal Dominant, Autosomal Recessive and X-Linked Classification Criteria (2023). Collection method: clinical testing. Allele origin: unknown.
Comment: This variant is considered benign. This variant is a silent/synonymous amino acid change and it is not expected to impact splicing.

Color Diagnostics, LLC DBA Color Health
Classification: Likely benign for Hereditary cancer-predisposing syndrome. Last evaluated: 2017-01-03. Review status: criteria provided, single submitter. Criteria: ACMG Guidelines, 2015. Collection method: clinical testing. Allele origin: germline.

Ambry Genetics
Classification: Likely benign for Hereditary cancer-predisposing syndrome. Last evaluated: 2015-08-05. Review status: criteria provided, single submitter. Criteria: Ambry Variant Classification Scheme 2023. Collection method: clinical testing. Allele origin: germline.